The following is an entry in ClinVar:

ClinVar aggregate classification (germline): Uncertain significance (1 of 4 stars; one submission).

Conditions:
Epidermolysis bullosa simplex with nail dystrophy (EBS5D). Identifiers: MedGen C4225309, MONDO:0014661, OMIM 616487.
Epidermolysis bullosa simplex 5B, with muscular dystrophy (EBS5B). Also called: EPIDERMOLYSIS BULLOSA SIMPLEX AND LIMB-GIRDLE MUSCULAR DYSTROPHY; Epidermolysis bullosa simplex with muscular dystrophy. Identifiers: Orphanet 257, MedGen C2931072, MONDO:0009181, OMIM 226670.
Epidermolysis bullosa simplex 5C, with pyloric atresia (EBS5C). Also called: PLEC-Related Epidermolysis Bullosa with Pyloric Atresia; Epidermolysis bullosa simplex with pyloric atresia; PLEC1-Related Epidermolysis Bullosa with Pyloric Atresia. Identifiers: Orphanet 158684, MedGen C2677349, MONDO:0012807, OMIM 612138.
Autosomal recessive limb-girdle muscular dystrophy type 2Q (LGMDR17). Also called: MUSCULAR DYSTROPHY, LIMB-GIRDLE, AUTOSOMAL RECESSIVE 17. Identifiers: Orphanet 254361, MedGen C3150989, MONDO:0013390, OMIM 613723.
Epidermolysis bullosa simplex, Ogna type (EBS5A). Also called: Pidermolysis bullosa simplex 5A, Ogna type; EPIDERMOLYSIS BULLOSA SIMPLEX 5A, OGNA TYPE. Identifiers: Orphanet 79401, MedGen C0432317, MONDO:0007555, OMIM 131950.

Submission:

Labcorp Genetics (formerly Invitae), Labcorp
Classification: Uncertain significance for Autosomal recessive limb-girdle muscular dystrophy type 2Q; Epidermolysis bullosa simplex, Ogna type; Epidermolysis bullosa simplex with nail dystrophy; Epidermolysis bullosa simplex 5C, with pyloric atresia; Epidermolysis bullosa simplex 5B, with muscular dystrophy. Last evaluated: 2023-12-10. Review status: criteria provided, single submitter. Criteria: Invitae Variant Classification Sherloc (09022015). Collection method: clinical testing. Allele origin: germline.
Comment: This sequence change replaces aspartic acid, which is acidic and polar, with asparagine, which is neutral and polar, at codon 3800 of the PLEC protein (p.Asp3800Asn). This variant is not present in population databases (gnomAD no frequency). This variant has not been reported in the literature in individuals affected with PLEC-related conditions. An algorithm developed to predict the effect of missense changes on protein structure and function (PolyPhen-2) suggests that this variant is likely to be disruptive. In summary, the available evidence is currently insufficient to determine the role of this variant in disease. Therefore, it has been classified as a Variant of Uncertain Significance.

NM_201384.3(PLEC):c.11317G>A (p.Asp3773Asn)

Gene: PLEC (plectin; minus strand). Cytogenetic location: 8q24.3.
Variant type: single nucleotide variant.
Coding change: c.11317G>A on transcript NM_201384.3 (MANE Select); coding-DNA position 11317, G replaced by A.
Protein change: p.Asp3773Asn; replaces aspartic acid 3773 with asparagine.
Molecular consequence: missense variant.
Genome position (GRCh38, 1-based): chr8:143,918,504, C>T on the plus strand (G>A on the coding strand, the complement: PLEC is on the minus strand). VCF-style: chr8-143918504-C-T. GRCh37 (hg19) VCF-style: chr8-144992672-C-T.
Other names: c.11398G>A, p.Asp3800Asn (NM_000445.5); c.8017G>A, p.Asp2673Asn (NM_001410941.1); c.11275G>A, p.Asp3759Asn (NM_201378.4); c.11251G>A, p.Asp3751Asn (NM_201379.3); c.11728G>A, p.Asp3910Asn (NM_201380.4); c.11221G>A, p.Asp3741Asn (NM_201381.3); c.11317G>A, p.Asp3773Asn (NM_201382.4); c.11329G>A, p.Asp3777Asn (NM_201383.3); short protein forms D3741N, D3777N, D3759N, D3773N, D3910N, D2673N, D3751N, D3800N.
Identifiers: ClinVar variation 2931382 (VCV002931382.3), dbSNP rs2539325701, ClinGen allele CA372491422.
Genomic context (GRCh38, chr8:143,918,504, plus strand): 5'-TAGGGATCAGCTCCTTCTTCATGGCCTGGAAGAGCGAGATGGTCTGCTCGGTGTAGGGGT[C>T]ACGGTAGCCGGTGACCGCCCGCTCAGCCGAGAGCAGGCGGTCGTGCAGCTCGGGCCCCAC-3'
Protein context (NP_958786.1, residues 3763-3783): SAERAVTGYR[Asp3773Asn]PYTEQTISLF